The following is an entry in ClinVar:

NM_004629.2(FANCG):c.925-1G>C

Gene: FANCG (FA complementation group G; minus strand). Cytogenetic location: 9p13.3.
Variant type: single nucleotide variant.
Coding change: c.925-1G>C on transcript NM_004629.2 (MANE Select); the canonical splice acceptor site of the intron before coding-DNA position 925, G replaced by C.
Molecular consequence: splice acceptor variant.
Genome position (GRCh38, 1-based): chr9:35,076,584, C>G on the plus strand (G>C on the coding strand, the complement: FANCG is on the minus strand). VCF-style: chr9-35076584-C-G. GRCh37 (hg19) VCF-style: chr9-35076581-C-G.
Identifiers: ClinVar variation 2819846 (VCV002819846.3), dbSNP rs2490401769, ClinGen allele CA373311341.

ClinVar aggregate classification (germline): Likely pathogenic (1 of 4 stars; one submission).

Conditions:
Fanconi anemia (FA). Also called: Fanconi's anemia. Identifiers: Orphanet 84, MedGen C0015625, MeSH D005199, MONDO:0019391.

Submission:

Labcorp Genetics (formerly Invitae), Labcorp
Classification: Likely pathogenic for Fanconi anemia. Last evaluated: 2022-12-10. Review status: criteria provided, single submitter. Criteria: Invitae Variant Classification Sherloc (09022015). Collection method: clinical testing. Allele origin: germline.
Comment: In summary, the currently available evidence indicates that the variant is pathogenic, but additional data are needed to prove that conclusively. Therefore, this variant has been classified as Likely Pathogenic. Algorithms developed to predict the effect of sequence changes on RNA splicing suggest that this variant may disrupt the consensus splice site. This variant has not been reported in the literature in individuals affected with FANCG-related conditions. This variant is not present in population databases (gnomAD no frequency). This sequence change affects an acceptor splice site in intron 7 of the FANCG gene. It is expected to disrupt RNA splicing. Variants that disrupt the donor or acceptor splice site typically lead to a loss of protein function (PMID: 16199547), and loss-of-function variants in FANCG are known to be pathogenic (PMID: 12552564).

Literature cited by the submitters: PubMed 16199547; PubMed 12552564.